The following is an entry in ClinVar:

ClinVar aggregate classification (germline): Likely benign (0 of 4 stars; one submission).

Conditions:
SFTPA2-related disorder. Also called: SFTPA2-related condition.

Allele frequency attached by ClinVar (database versions not stated): gnomAD exomes 0.00001; ExAC 0.00002; gnomAD 0.00003; 1000 Genomes Project 30x 0.00016; 1000 Genomes Project 0.00020.
gnomAD v4.1: 15 of 1,606,968 alleles (0.00093%); highest among the groups gnomAD compares: African/African-American, 0.011%; no homozygotes.

Submission:

PreventionGenetics, part of Exact Sciences
Classification: Likely benign for SFTPA2-related condition. Last evaluated: 2019-03-06. Review status: no assertion criteria provided. Collection method: clinical testing. Allele origin: germline.
Comment: This variant is classified as likely benign based on ACMG/AMP sequence variant interpretation guidelines (Richards et al. 2015 PMID: 25741868, with internal and published modifications).

NM_001098668.4(SFTPA2):c.-16G>A

Gene: SFTPA2 (surfactant protein A2; minus strand). Cytogenetic location: 10q22.3.
Variant type: single nucleotide variant.
Coding change: c.-16G>A on transcript NM_001098668.4 (MANE Select); 16 bases upstream of the start codon, G replaced by A.
Molecular consequence: 5 prime UTR variant. On other transcripts: synonymous variant (1).
Genome position (GRCh38, 1-based): chr10:79,559,499, C>T on the plus strand (G>A on the coding strand, the complement: SFTPA2 is on the minus strand). VCF-style: chr10-79559499-C-T. GRCh37 (hg19) VCF-style: chr10-81319255-C-T.
Other names: c.-16G>A (NM_001320813.2); c.15G>A, p.Ala5= (NM_001320814.1).
Identifiers: ClinVar variation 3058593 (VCV003058593.2), dbSNP rs546418144, ClinGen allele CA5574241.